The following is an entry in ClinVar:

NM_001353788.2(APBA2):c.170C>T (p.Ala57Val)

Gene: APBA2 (amyloid beta precursor protein binding family A member 2; plus strand). Cytogenetic location: 15q13.1.
Variant type: single nucleotide variant.
Coding change: c.170C>T on transcript NM_001353788.2 (MANE Select); coding-DNA position 170, C replaced by T.
Protein change: p.Ala57Val; replaces alanine 57 with valine.
Molecular consequence: missense variant.
Genome position (GRCh38, 1-based): chr15:29,054,054, C>T. VCF-style: chr15-29054054-C-T. GRCh37 (hg19) VCF-style: chr15-29346257-C-T.
Other names: c.170C>T, p.Ala57Val (NM_001130414.1, NM_001353789.2, NM_001353790.2 and 7 more transcripts); short protein forms A57V.
Identifiers: ClinVar variation 3036076 (VCV003036076.3), dbSNP rs141358568, ClinGen allele CA7445045.

ClinVar aggregate classification (germline): Likely benign. Review status: criteria provided, single submitter (1 of 4 stars). 2 submissions from 2 submitters: Likely benign (1). 1 of the submissions does not count toward it.

Conditions:
APBA2-related disorder. Also called: APBA2-related condition.

Allele frequency attached by ClinVar (database versions not stated): ExAC 0.00038; gnomAD 0.00064; ESP Exome Variant Server 0.00069; gnomAD exomes 0.00070; TOPMed 0.00077; 1000 Genomes Project 0.00080; 1000 Genomes Project 30x 0.00109.
gnomAD v4.1: 1,118 of 1,613,878 alleles (0.069%); highest among the groups gnomAD compares: Admixed American, 0.17%; no homozygotes.

Submissions (2):

Breakthrough Genomics
Classification: Likely benign. Review status: criteria provided, single submitter. Criteria: ACMG Guidelines, 2015. Collection method: not provided. Allele origin: germline. Inheritance: Unknown mechanism. Affected: yes.

PreventionGenetics, part of Exact Sciences
Classification: Likely benign for APBA2-related condition. Last evaluated: 2023-03-20. Review status: no assertion criteria provided. Collection method: clinical testing. Allele origin: germline. Not counted in ClinVar's aggregate classification.
Comment: This variant is classified as likely benign based on ACMG/AMP sequence variant interpretation guidelines (Richards et al. 2015 PMID: 25741868, with internal and published modifications).